The following is an entry in ClinVar:

NM_001080453.3(INTS1):c.154G>A (p.Gly52Ser)

Gene: INTS1 (integrator complex subunit 1; minus strand). Cytogenetic location: 7p22.3.
Variant type: single nucleotide variant.
Coding change: c.154G>A on transcript NM_001080453.3 (MANE Select); coding-DNA position 154, G replaced by A.
Protein change: p.Gly52Ser; replaces glycine 52 with serine.
Molecular consequence: missense variant.
Genome position (GRCh38, 1-based): chr7:1,503,096, C>T on the plus strand (G>A on the coding strand, the complement: INTS1 is on the minus strand). VCF-style: chr7-1503096-C-T. GRCh37 (hg19) VCF-style: chr7-1542732-C-T.
Other names: short protein forms G52S.
Identifiers: ClinVar variation 3110028 (VCV003110028.9), dbSNP rs202230447, ClinGen allele CA4120903.

ClinVar aggregate classification (germline): Likely benign. Review status: criteria provided, multiple submitters, no conflicts (2 of 4 stars). 3 submissions from 3 submitters: Likely benign (3). Last evaluated 2026-06-01.

Conditions:
Inborn genetic diseases. Identifiers: MedGen C0950123, MeSH D030342.

Allele frequency attached by ClinVar (database versions not stated): 1000 Genomes Project 30x 0.00125; 1000 Genomes Project 0.00140; ExAC 0.00264; gnomAD 0.00267; TOPMed 0.00321; ESP Exome Variant Server 0.00365; gnomAD exomes 0.00421.

Submissions (3):

CeGaT Center for Human Genetics Tuebingen
Classification: Likely benign. Last evaluated: 2026-06-01. Review status: criteria provided, single submitter. Criteria: CeGaT Center For Human Genetics Tuebingen Variant Classification Criteria Version 2. Collection method: clinical testing. Allele origin: germline. Affected: yes. Observed: 4 variant alleles.
Comment: INTS1: BS2

Blueprint Genetics
Classification: Likely benign. Last evaluated: 2024-11-25. Review status: criteria provided, single submitter. Criteria: ACMG Guidelines, 2015. Collection method: clinical testing. Allele origin: germline.

Ambry Genetics
Classification: Likely benign for Inborn genetic diseases. Last evaluated: 2022-01-19. Review status: criteria provided, single submitter. Criteria: Ambry Variant Classification Scheme 2023. Collection method: clinical testing. Allele origin: germline.